The following is an entry in ClinVar:

ClinVar aggregate classification (germline): Uncertain significance. Review status: criteria provided, multiple submitters, no conflicts (2 of 4 stars). 2 submissions from 2 submitters: Uncertain significance (2). Last evaluated 2025-10-08.

Conditions:
Cardiovascular phenotype. Identifiers: MedGen CN230736.

Allele frequency attached by ClinVar (database versions not stated): gnomAD exomes below 0.00001; TOPMed below 0.00001; gnomAD 0.00001; ExAC 0.00005.
gnomAD v4.1: 6 of 1,550,170 alleles (0.00039%); highest among the groups gnomAD compares: African/African-American, 0.0014%; no homozygotes.

Submissions (2):

Women's Health and Genetics/Laboratory Corporation of America, LabCorp
Classification: Uncertain significance. Last evaluated: 2025-10-08. Review status: criteria provided, single submitter. Criteria: LabCorp Variant Classification Summary - May 2015. Collection method: clinical testing. Allele origin: germline.
Comment: Variant summary: ZNF469 c.3698A>G (p.Glu1233Gly) results in a non-conservative amino acid change in the encoded protein sequence. Algorithms developed to predict the effect of missense changes on protein structure and function are either unavailable or do not agree on the potential impact of this missense change. The variant allele was found at a frequency of 1.3e-05 in 153670 control chromosomes. The available data on variant occurrences in the general population are insufficient to allow any conclusion about variant significance. To our knowledge, no occurrence of c.3698A>G in individuals affected with ZNF469-related conditions and no experimental evidence demonstrating its impact on protein function have been reported. ClinVar contains an entry for this variant (Variation ID: 1733258). Based on the evidence outlined above, the variant was classified as uncertain significance.

Ambry Genetics
Classification: Uncertain significance for Cardiovascular phenotype. Last evaluated: 2021-07-12. Review status: criteria provided, single submitter. Criteria: Ambry Variant Classification Scheme 2023. Collection method: clinical testing. Allele origin: germline.
Comment: The p.E1205G variant (also known as c.3614A>G), located in coding exon 2 of the ZNF469 gene, results from an A to G substitution at nucleotide position 3614. The glutamic acid at codon 1205 is replaced by glycine, an amino acid with similar properties. This amino acid position is conserved. In addition, this alteration is predicted to be tolerated by in silico analysis. Since supporting evidence is limited at this time, the clinical significance of this alteration remains unclear.

NM_001367624.2(ZNF469):c.3698A>G (p.Glu1233Gly)

Gene: ZNF469 (zinc finger protein 469; plus strand). Cytogenetic location: 16q24.2.
Variant type: single nucleotide variant.
Coding change: c.3698A>G on transcript NM_001367624.2 (MANE Select); coding-DNA position 3698, A replaced by G.
Protein change: p.Glu1233Gly; replaces glutamic acid 1233 with glycine.
Molecular consequence: missense variant.
Genome position (GRCh38, 1-based): chr16:88,431,168, A>G. VCF-style: chr16-88431168-A-G. GRCh37 (hg19) VCF-style: chr16-88497576-A-G.
Other names: NM_001127464.1:c.3614A>G; short protein forms E1233G.
Identifiers: ClinVar variation 1733258 (VCV001733258.3), dbSNP rs781493176, ClinGen allele CA8224878.
Genomic context (GRCh38, chr16:88,431,168, plus strand): 5'-AGGAAACCCGCCCGTCGCTGGACTTTCCCCAGGAGGCCAAGGAGCCTGAAACTGCCGAAG[A>G]GTCAGCCCCGGACAGCACAGAATTCACAGAGGCTTTGCGTTCTCCTCCAGCCGCCTGTGC-3'
Protein context (NP_001354553.1, residues 1223-1243): QEAKEPETAE[Glu1233Gly]SAPDSTEFTE